The following is an entry in ClinVar:

NM_004815.4(ARHGAP29):c.1144-9T>A

Gene: ARHGAP29 (Rho GTPase activating protein 29; minus strand). Cytogenetic location: 1p22.1.
Variant type: single nucleotide variant.
Coding change: c.1144-9T>A on transcript NM_004815.4 (MANE Select); 9 bases into the intron before coding-DNA position 1144, T replaced by A.
Molecular consequence: intron variant.
Genome position (GRCh38, 1-based): chr1:94,201,866, A>T on the plus strand (T>A on the coding strand, the complement: ARHGAP29 is on the minus strand). VCF-style: chr1-94201866-A-T. GRCh37 (hg19) VCF-style: chr1-94667422-A-T.
Other names: NC_000001.10:g.94667422A>T; c.952-9T>A (NM_001328665.2, NM_001328667.2); c.1144-9T>A (NM_001328664.2, NM_001328666.2).
Identifiers: ClinVar variation 3033716 (VCV003033716.3), dbSNP rs755688126, ClinGen allele CA959574.

ClinVar aggregate classification (germline): Likely benign (0 of 4 stars; one submission).

Conditions:
ARHGAP29-related disorder. Also called: ARHGAP29-Related Disorders; ARHGAP29-related condition.

gnomAD v4.1: 282 of 1,456,662 alleles (0.019%); highest among the groups gnomAD compares: South Asian, 0.18%; 5 homozygotes.

Submissions (2):

PreventionGenetics, part of Exact Sciences
Classification: Likely benign for ARHGAP29-related condition. Last evaluated: 2019-02-21. Review status: no assertion criteria provided. Collection method: clinical testing. Allele origin: germline.
Comment: This variant is classified as likely benign based on ACMG/AMP sequence variant interpretation guidelines (Richards et al. 2015 PMID: 25741868, with internal and published modifications).

Dr. Peter K. Rogan Lab, Western University
No classification provided (evidence only). Condition: Familial cancer of breast. Review status: no classification provided. Collection method: in vitro. Allele origin: not applicable. Functional consequence: retained intron. Not counted in ClinVar's aggregate classification.